The following is an entry in ClinVar:

ClinVar aggregate classification (germline): Likely benign (1 of 4 stars; one submission).

gnomAD v4.1: 21 of 1,614,168 alleles (0.0013%); highest among the groups gnomAD compares: East Asian, 0.0022%; no homozygotes.

Submission:

CeGaT Center for Human Genetics Tuebingen
Classification: Likely benign. Last evaluated: 2026-07-01. Review status: criteria provided, single submitter. Criteria: CeGaT Center For Human Genetics Tuebingen Variant Classification Criteria Version 2. Collection method: clinical testing. Allele origin: germline. Affected: yes. Observed: 1 variant allele.
Comment: KCNC3: BP4, BP7

NM_004977.3(KCNC3):c.1083C>T (p.Phe361=)

Gene: KCNC3 (potassium voltage-gated channel subfamily C member 3; minus strand). Cytogenetic location: 19q13.33.
Variant type: single nucleotide variant.
Coding change: c.1083C>T on transcript NM_004977.3 (MANE Select); coding-DNA position 1083, C replaced by T.
Protein change: p.Phe361=; no amino-acid change (phenylalanine 361 retained).
Molecular consequence: synonymous variant.
Genome position (GRCh38, 1-based): chr19:50,323,870, G>A on the plus strand (C>T on the coding strand, the complement: KCNC3 is on the minus strand). VCF-style: chr19-50323870-G-A. GRCh37 (hg19) VCF-style: chr19-50827127-G-A.
Other names: c.855C>T, p.Phe285= (NM_001372305.1).
Identifiers: ClinVar variation 5038880 (VCV005038880.1).